The following is an entry in ClinVar:

NM_000038.6(APC):c.7297G>A (p.Glu2433Lys)

Gene: APC (APC regulator of Wnt signaling pathway; plus strand). Cytogenetic location: 5q22.2.
Variant type: single nucleotide variant.
Coding change: c.7297G>A on transcript NM_000038.6 (MANE Select); coding-DNA position 7297, G replaced by A.
Protein change: p.Glu2433Lys; replaces glutamic acid 2433 with lysine.
Molecular consequence: missense variant.
Genome position (GRCh38, 1-based): chr5:112,842,891, G>A. VCF-style: chr5-112842891-G-A. GRCh37 (hg19) VCF-style: chr5-112178588-G-A.
Other names: c.7297G>A, p.Glu2433Lys (NM_001127510.3, NM_001354895.2); c.7243G>A, p.Glu2415Lys (NM_001127511.3); c.7351G>A, p.Glu2451Lys (NM_001354896.2); c.7327G>A, p.Glu2443Lys (NM_001354897.2); c.7222G>A, p.Glu2408Lys (NM_001354898.2); c.7213G>A, p.Glu2405Lys (NM_001354899.2); c.7174G>A, p.Glu2392Lys (NM_001354900.2); c.7120G>A, p.Glu2374Lys (NM_001354901.2); and 5 more; short protein forms E2273K, E2332K, E2342K, E2405K, E2408K, E2433K, E2443K, E2451K.
Identifiers: ClinVar variation 935224 (VCV000935224.19), dbSNP rs1766439260, ClinGen allele CA16037221.

ClinVar aggregate classification (germline): Uncertain significance. Review status: criteria provided, multiple submitters, no conflicts (2 of 4 stars). 4 submissions from 4 submitters: Uncertain significance (4). Last evaluated 2025-03-04.

Conditions:
Hereditary cancer-predisposing syndrome. Also called: Tumor predisposition; Hereditary neoplastic syndrome; Hereditary Cancer Syndrome; Neoplastic Syndromes, Hereditary. Identifiers: Orphanet 140162, MedGen C0027672, MeSH D009386, MONDO:0015356.
Familial adenomatous polyposis 1 (FAP1). Also called: POLYPOSIS, ADENOMATOUS INTESTINAL; FAMILIAL ADENOMATOUS POLYPOSIS 1, ATTENUATED. Identifiers: MedGen C2713442, MONDO:0021056, OMIM 175100. Disease mechanism: loss of function.

Allele frequency attached by ClinVar (database versions not stated): gnomAD exomes below 0.00001.
gnomAD v4.1: 1 of 1,614,072 alleles (0.000062%); highest among the groups gnomAD compares: Non-Finnish European, 0.000085%; no homozygotes.

Submissions (4):

Center for Genomic Medicine, Rigshospitalet, Copenhagen University Hospital
Classification: Uncertain significance. Last evaluated: 2025-03-04. Review status: criteria provided, single submitter. Criteria: ACMG Guidelines, 2015. Collection method: clinical testing. Allele origin: germline.

Ambry Genetics
Classification: Uncertain significance for Hereditary cancer-predisposing syndrome. Last evaluated: 2023-12-08. Review status: criteria provided, single submitter. Criteria: Ambry Variant Classification Scheme 2023. Collection method: clinical testing. Allele origin: germline.
Comment: The p.E2433K variant (also known as c.7297G>A), located in coding exon 15 of the APC gene, results from a G to A substitution at nucleotide position 7297. The glutamic acid at codon 2433 is replaced by lysine, an amino acid with similar properties. This amino acid position is conserved. In addition, in silico predictors for this gene do not accurately predict pathogenicity. Since supporting evidence is limited at this time, the clinical significance of this alteration remains unclear.

GeneDx
Classification: Uncertain significance. Last evaluated: 2022-10-14. Review status: criteria provided, single submitter. Criteria: GeneDx Variant Classification Process June 2021. Collection method: clinical testing. Allele origin: germline. Affected: yes.
Comment: Not observed at significant frequency in large population cohorts (gnomAD); In silico analysis supports that this missense variant does not alter protein structure/function; Has not been previously published as pathogenic or benign to our knowledge

Labcorp Genetics (formerly Invitae), Labcorp
Classification: Uncertain significance for Familial adenomatous polyposis 1. Last evaluated: 2022-05-16. Review status: criteria provided, single submitter. Criteria: Invitae Variant Classification Sherloc (09022015). Collection method: clinical testing. Allele origin: germline.
Comment: In summary, the available evidence is currently insufficient to determine the role of this variant in disease. Therefore, it has been classified as a Variant of Uncertain Significance. Algorithms developed to predict the effect of missense changes on protein structure and function are either unavailable or do not agree on the potential impact of this missense change (SIFT: "Tolerated"; PolyPhen-2: "Probably Damaging"; Align-GVGD: "Class C0"). ClinVar contains an entry for this variant (Variation ID: 935224). This variant has not been reported in the literature in individuals affected with APC-related conditions. This variant is not present in population databases (gnomAD no frequency). This sequence change replaces glutamic acid, which is acidic and polar, with lysine, which is basic and polar, at codon 2433 of the APC protein (p.Glu2433Lys).